The following is an entry in ClinVar:

ClinVar aggregate classification (germline): Likely benign (1 of 4 stars; one submission).

gnomAD v4.1: 45 of 1,613,418 alleles (0.0028%); highest among the groups gnomAD compares: Admixed American, 0.005%; no homozygotes.

Submission:

CeGaT Center for Human Genetics Tuebingen
Classification: Likely benign. Last evaluated: 2025-02-01. Review status: criteria provided, single submitter. Criteria: CeGaT Center For Human Genetics Tuebingen Variant Classification Criteria Version 2. Collection method: clinical testing. Allele origin: germline. Affected: yes. Observed: 1 variant allele.
Comment: INSRR: BP4, BP7

NM_014215.3(INSRR):c.399C>T (p.Ala133=)

Genes: INSRR (insulin receptor related receptor; minus strand), NTRK1 (neurotrophic receptor tyrosine kinase 1; plus strand). Cytogenetic location: 1q23.1.
Variant type: single nucleotide variant.
Coding change: c.399C>T on transcript NM_014215.3 (MANE Select); coding-DNA position 399, C replaced by T.
Protein change: p.Ala133=; no amino-acid change (alanine 133 retained).
Molecular consequence: synonymous variant. On other transcripts: intron variant (1).
Genome position (GRCh38, 1-based): chr1:156,853,990, G>A on the plus strand (C>T on the coding strand, the complement: INSRR is on the minus strand). VCF-style: chr1-156853990-G-A. GRCh37 (hg19) VCF-style: chr1-156823782-G-A.
Other names: c.123-10364G>A (NM_001007792.1).
Identifiers: ClinVar variation 3771095 (VCV003771095.13).
Genomic context (GRCh38, chr1:156,853,990, plus strand): 5'-AATGGTGGAGAGGTGGCAGAGCTCCTGGTTCTTCTCCACACGCACAGCCCCACGCAGCAC[G>A]GCCCCAAGTGCAGGCAGTGCCACGTCACGCAGATGTGGCATCTCAAAGATGACCAGTGCA-3'
Protein context (NP_055030.1, residues 123-143): LRDVALPALG[Ala133=]VLRGAVRVEK